The following is an entry in ClinVar:

NM_003128.3(SPTBN1):c.3974C>T (p.Ser1325Phe)

Gene: SPTBN1 (spectrin beta, non-erythrocytic 1; plus strand). Cytogenetic location: 2p16.2.
Variant type: single nucleotide variant.
Coding change: c.3974C>T on transcript NM_003128.3 (MANE Select); coding-DNA position 3974, C replaced by T.
Protein change: p.Ser1325Phe; replaces serine 1325 with phenylalanine.
Molecular consequence: missense variant.
Genome position (GRCh38, 1-based): chr2:54,643,098, C>T. VCF-style: chr2-54643098-C-T. GRCh37 (hg19) VCF-style: chr2-54870235-C-T.
Other names: c.3935C>T, p.Ser1312Phe (NM_178313.3); short protein forms S1312F, S1325F.
Identifiers: ClinVar variation 5002160 (VCV005002160.1).

ClinVar aggregate classification (germline): Uncertain significance (1 of 4 stars; one submission).

Conditions:
SPTBN1-related disorder. Also called: SPTBN1-related condition.

Submission:

PreventionGenetics, part of Exact Sciences
Classification: Uncertain significance for SPTBN1-related condition. Last evaluated: 2025-03-11. Review status: criteria provided, single submitter. Criteria: ACMG Guidelines, 2015. Collection method: clinical testing. Allele origin: germline.
Comment: The SPTBN1 c.3974C>T variant is predicted to result in the amino acid substitution p.Ser1325Phe. To our knowledge, this variant has not been reported in the literature or in a large population database (gnomAD), indicating this variant is rare. At this time, the clinical significance of this variant is uncertain due to the absence of conclusive functional and genetic evidence.